The following is an entry in ClinVar:

ClinVar aggregate classification (germline): Pathogenic. Review status: reviewed by expert panel (3 of 4 stars). 4 submissions from 4 submitters: Pathogenic (1). 3 of the submissions do not count toward it. Last evaluated 2025-11-09.

Conditions:
Glycogen storage disease, type II (IOPD). Also called: CARDIOMEGALIA GLYCOGENICA DIFFUSA; GLYCOGENOSIS, GENERALIZED, CARDIAC FORM; GSD II; POMPE DISEASE, INFANTILE-ONSET; GLYCOGEN STORAGE DISEASE II, INFANTILE-ONSET; ACID ALPHA-GLUCOSIDASE DEFICIENCY, INFANTILE-ONSET. Identifiers: Orphanet 365, MedGen C0017921, MONDO:0009290, OMIM 232300.

Submissions (4):

ClinGen Lysosomal Storage Disorder Variant Curation Expert Panel
Classification: Pathogenic for Glycogen storage disease, type II. Last evaluated: 2025-11-09. Review status: reviewed by expert panel. Criteria: clingen_lsd_acmg_specifications_v2-1. Collection method: curation. Allele origin: germline. Inheritance: Autosomal recessive inheritance.
Comment: The NM_000152.5:c.2161G>T (p.Glu721Ter) variant in GAA is a nonsense variant predicted to cause a premature stop codon in biologically-relevant-exon 15/20, leading to nonsense mediated decay in a gene in which loss-of-function is an established disease mechanism (PVS1). At least 2 patients diagnosed with late-onset Pompe disease (LOPD) have been reported with this variant. One patient had documented GAA deficiency with <10% of normal mean control level of GAA activity in lymphocytes and the other patient had GAA activity in the affected range in dried blood spot (PMIDs: 25526786, 35071497) (PP4_Moderate). Of those individuals, one was compound heterozygous for the variant and a pathogenic variant (c.1561G>A (p.Glu521Lys), PMID: 25526786), phase unconfirmed; and one was compound heterozygous for the variant and a variant not yet evaluated by the ClinGen Lysosomal Diseases VCEP (c.1409A>G (p.Asn470Ser), PMID: 35071497). (PM3_Supporting). This variant is absent in gnomAD v4.1.0. (PM2_Supporting). There is a ClinVar entry for this variant (Variation ID: 1322967). In summary, this variant meets the criteria to be classified as pathogenic for Pompe disease based on the ACMG/AMP criteria applied, as specified by the ClinGen Lysosomal Diseases Variant Curation Expert Panel (Specifications Version 2.0): PVS1, PM2_Supporting, PM3_Supporting, PP4_Moderate. (Classification approved by the ClinGen Lysosomal Diseases Variant Curation Expert Panel on November 9, 2025).

Genomenon, Inc
Classification: Pathogenic for Glycogen storage disease, type II. Last evaluated: 2026-07-01. Review status: criteria provided, single submitter. Criteria: Genomenon Sequence Variant Interpretation Standards - Updated. Collection method: curation. Allele origin: germline. Affected: yes. Not counted in ClinVar's aggregate classification.
Comment: GAA p.Glu721Ter (c.2161G>T) is a nonsense variant that introduces a premature stop codon at amino acid position 721 and is predicted to result in a truncated or absent protein product. This variant has been observed in at least one proband with a GAA-related disorder (PMID:35071497;25526786). It is absent or not present at a significant frequency in gnomAD. In conclusion, we classify GAA p.Glu721Ter (c.2161G>T) as a pathogenic variant.

Baylor Genetics
Classification: Pathogenic for Glycogen storage disease, type II. Last evaluated: 2023-06-04. Review status: criteria provided, single submitter. Criteria: ACMG Guidelines, 2015. Collection method: clinical testing. Allele origin: unknown. Not counted in ClinVar's aggregate classification.

Revvity Omics, Revvity
Classification: Pathogenic. Last evaluated: 2021-09-02. Review status: criteria provided, single submitter. Criteria: ACMG Guidelines, 2015. Collection method: clinical testing. Allele origin: germline. Not counted in ClinVar's aggregate classification.

Literature cited by the submitters: PubMed 35071497 (cited by Genomenon, Inc); PubMed 25526786 (cited by Genomenon, Inc).

NM_000152.5(GAA):c.2161G>T (p.Glu721Ter)

Gene: GAA (alpha glucosidase; plus strand). Cytogenetic location: 17q25.3.
Variant type: single nucleotide variant.
Coding change: c.2161G>T on transcript NM_000152.5 (MANE Select); coding-DNA position 2161, G replaced by T.
Protein change: p.Glu721Ter; replaces glutamic acid 721 with a stop codon.
Molecular consequence: nonsense.
Genome position (GRCh38, 1-based): chr17:80,113,338, G>T. VCF-style: chr17-80113338-G-T. GRCh37 (hg19) VCF-style: chr17-78087137-G-T.
Other names: NM_000152.5(GAA):c.2161G>T; p.Glu721Ter; c.2161G>T, p.Glu721Ter (NM_001079803.3, NM_001079804.3); short protein forms E721*.
Identifiers: ClinVar variation 1322967 (VCV001322967.6), dbSNP rs140376273, ClinGen allele CA401370611.